The following is an entry in ClinVar:

NM_000360.4(TH):c.1105-22A>G

Gene: TH (tyrosine hydroxylase; minus strand). Cytogenetic location: 11p15.5.
Variant type: single nucleotide variant.
Coding change: c.1105-22A>G on transcript NM_000360.4 (MANE Select); 22 bases into the intron before coding-DNA position 1105, A replaced by G.
Molecular consequence: intron variant.
Genome position (GRCh38, 1-based): chr11:2,165,785, T>C on the plus strand (A>G on the coding strand, the complement: TH is on the minus strand). VCF-style: chr11-2165785-T-C. GRCh37 (hg19) VCF-style: chr11-2187015-T-C.
Other names: c.1186-22A>G (NM_199293.3); c.1198-22A>G (NM_199292.3).
Identifiers: ClinVar variation 4072257 (VCV004072257.2).

ClinVar aggregate classification (germline): Uncertain significance (1 of 4 stars; one submission).

Conditions:
TH-deficient dopa-responsive dystonia. Also called: DYT-TH; Tyrosine Hydroxylase-Deficient Dopa-Responsive Dystonia; Segawa syndrome, autosomal recessive. Identifiers: Orphanet 101150, MedGen C2673535, MONDO:0011551, OMIM 605407.

Submission:

3billion
Classification: Uncertain significance for TH-deficient dopa-responsive dystonia. Last evaluated: 2025-12-17. Review status: criteria provided, single submitter. Criteria: ACMG Guidelines, 2015. Collection method: clinical testing. Allele origin: germline. Affected: yes.
Comment: The variant is not observed in the gnomAD v4.1.0 dataset. Predicted Consequence/Location: Intron variant In silico tools predict the variant to alter splicing and produce an abnormal transcript [SpliceAI: 0.34 (>=0.2, moderate evidence for spliceogenicity)]. The variant has been reported as of uncertain significance (ClinVar ID: VCV004072257; 3billion dataset). Therefore, this variant is classified as VUS according to the recommendation of ACMG/AMP guideline.